The following is an entry in ClinVar:

ClinVar aggregate classification (germline): Uncertain significance (1 of 4 stars; one submission).

Conditions:
Cardiovascular phenotype. Identifiers: MedGen CN230736.

Allele frequency attached by ClinVar (database versions not stated): gnomAD 0.00001; gnomAD exomes 0.00001; ExAC 0.00003.
gnomAD v4.1: 20 of 1,613,010 alleles (0.0012%); highest among the groups gnomAD compares: Non-Finnish European, 0.0016%; no homozygotes.

Submission:

Ambry Genetics
Classification: Uncertain significance for Cardiovascular phenotype. Last evaluated: 2023-11-13. Review status: criteria provided, single submitter. Criteria: Ambry Variant Classification Scheme 2023. Collection method: clinical testing. Allele origin: germline.
Comment: The p.T3768S variant (also known as c.11303C>G), located in coding exon 16 of the ALMS1 gene, results from a C to G substitution at nucleotide position 11303. The threonine at codon 3768 is replaced by serine, an amino acid with similar properties. This amino acid position is highly conserved in available vertebrate species. In addition, this alteration is predicted to be tolerated by in silico analysis. Since supporting evidence is limited at this time, the clinical significance of this alteration remains unclear.

NM_001378454.1(ALMS1):c.11300C>G (p.Thr3767Ser)

Gene: ALMS1 (ALMS1 centrosome and basal body associated protein; plus strand). Cytogenetic location: 2p13.1.
Variant type: single nucleotide variant.
Coding change: c.11300C>G on transcript NM_001378454.1 (MANE Select); coding-DNA position 11300, C replaced by G.
Protein change: p.Thr3767Ser; replaces threonine 3767 with serine.
Molecular consequence: missense variant.
Genome position (GRCh38, 1-based): chr2:73,573,177, C>G. VCF-style: chr2-73573177-C-G. GRCh37 (hg19) VCF-style: chr2-73800304-C-G.
Other names: c.11303C>G, p.Thr3768Ser (NM_015120.4); short protein forms T3767S, T3768S.
Identifiers: ClinVar variation 3226573 (VCV003226573.1), dbSNP rs748655562, ClinGen allele CA1715158.